The following is an entry in ClinVar:

NC_000005.10:g.112707364C>G

Gene: APC (APC regulator of Wnt signaling pathway; plus strand). Cytogenetic location: 5q22.2.
Variant type: single nucleotide variant.
Genome position: GRCh38 VCF-style: chr5-112707364-C-G. GRCh37 (hg19) VCF-style: chr5-112043061-C-G.
Identifiers: ClinVar variation 3725625 (VCV003725625.2).
Genomic context (GRCh38, chr5:112,707,364, plus strand): 5'-TAACTGGGCTGCAGCACAATTCAGAGAAGGCCAGTAAGTGCTGCAACTGAGACTCGGCTG[C>G]CTAGGCAGCAATGGCTCACGGGACAGAACAGCGAAGCAGTGCCCGGCAAGCGGAGCGCAG-3'

ClinVar aggregate classification (germline): Uncertain significance (1 of 4 stars; one submission).

Conditions:
Familial adenomatous polyposis 1 (FAP1). Also called: FAMILIAL ADENOMATOUS POLYPOSIS 1, ATTENUATED; POLYPOSIS, ADENOMATOUS INTESTINAL. Identifiers: MedGen C2713442, MONDO:0021056, OMIM 175100. Disease mechanism: loss of function.

Submission:

Labcorp Genetics (formerly Invitae), Labcorp
Classification: Uncertain significance for Familial adenomatous polyposis 1. Last evaluated: 2024-11-19. Review status: criteria provided, single submitter. Criteria: Invitae Variant Classification Sherloc (09022015). Collection method: clinical testing. Allele origin: germline.
Comment: This variant occurs in a non-coding region of the APC gene. It does not change the encoded amino acid sequence of the APC protein. This variant is not present in population databases (gnomAD no frequency). This variant has not been reported in the literature in individuals affected with APC-related conditions. Experimental studies and prediction algorithms are not available or were not evaluated, and the functional significance of this variant is currently unknown. In summary, the available evidence is currently insufficient to determine the role of this variant in disease. Therefore, it has been classified as a Variant of Uncertain Significance.